The following is an entry in ClinVar:

ClinVar aggregate classification (germline): Conflicting classifications of pathogenicity. Review status: criteria provided, conflicting classifications (1 of 4 stars). 3 submissions from 3 submitters: Uncertain significance (2); Likely benign (1). Last evaluated 2025-10-02.

Conditions:
Inborn genetic diseases. Identifiers: MedGen C0950123, MeSH D030342.
TNFRSF13B-related disorder. Also called: TNFRSF13B-related condition.
Immunodeficiency, common variable, 2 (CVID2). Also called: ANTIBODY DEFICIENCY DUE TO TACI DEFECT; HYPOGAMMAGLOBULINEMIA DUE TO TACI DEFICIENCY. Identifiers: Orphanet 1572, MedGen C3150354, MONDO:0009413, OMIM 240500.

Allele frequency attached by ClinVar (database versions not stated): gnomAD exomes 0.00002 and 0.00007; ExAC 0.00011; TOPMed 0.00027; gnomAD 0.00028 and 0.00031; ESP Exome Variant Server 0.00031.

Submissions (3):

Labcorp Genetics (formerly Invitae), Labcorp
Classification: Likely benign for Immunodeficiency, common variable, 2. Last evaluated: 2025-10-02. Review status: criteria provided, single submitter. Criteria: Invitae Variant Classification Sherloc (09022015). Collection method: clinical testing. Allele origin: germline.

Ambry Genetics
Classification: Uncertain significance for Inborn genetic diseases. Last evaluated: 2025-06-18. Review status: criteria provided, single submitter. Criteria: Ambry Variant Classification Scheme 2023. Collection method: clinical testing. Allele origin: germline.

PreventionGenetics, part of Exact Sciences
Classification: Uncertain significance for TNFRSF13B-related condition. Last evaluated: 2025-02-06. Review status: criteria provided, single submitter. Criteria: ACMG Guidelines, 2015. Collection method: clinical testing. Allele origin: germline.
Comment: The TNFRSF13B c.754G>A variant is predicted to result in the amino acid substitution p.Asp252Asn. To our knowledge, this variant has not been reported in the literature. This variant is reported in 0.085% of alleles in individuals of African descent in gnomAD. At this time, the clinical significance of this variant is uncertain due to the absence of conclusive functional and genetic evidence.

NM_012452.3(TNFRSF13B):c.754G>A (p.Asp252Asn)

Gene: TNFRSF13B (TNF receptor superfamily member 13B; minus strand). Cytogenetic location: 17p11.2.
Variant type: single nucleotide variant.
Coding change: c.754G>A on transcript NM_012452.3 (MANE Select); coding-DNA position 754, G replaced by A.
Protein change: p.Asp252Asn; replaces aspartic acid 252 with asparagine.
Molecular consequence: missense variant.
Genome position (GRCh38, 1-based): chr17:16,939,675, C>T on the plus strand (G>A on the coding strand, the complement: TNFRSF13B is on the minus strand). VCF-style: chr17-16939675-C-T. GRCh37 (hg19) VCF-style: chr17-16842989-C-T.
Other names: short protein forms D252N.
Identifiers: ClinVar variation 538708 (VCV000538708.8), dbSNP rs111439115, ClinGen allele CA8413856.